The following is an entry in ClinVar:

NM_004699.4(FAM50A):c.260A>C (p.Gln87Pro)

Gene: FAM50A (family with sequence similarity 50 member A; plus strand). Cytogenetic location: Xq28.
Variant type: single nucleotide variant.
Coding change: c.260A>C on transcript NM_004699.4 (MANE Select); coding-DNA position 260, A replaced by C.
Protein change: p.Gln87Pro; replaces glutamine 87 with proline.
Molecular consequence: missense variant.
Genome position (GRCh38, 1-based): chrX:154,445,875, A>C. VCF-style: chrX-154445875-A-C. GRCh37 (hg19) VCF-style: chrX-153674223-A-C.
Other names: short protein forms Q87P.
Identifiers: ClinVar variation 3600735 (VCV003600735.1).

ClinVar aggregate classification (germline): Uncertain significance (1 of 4 stars; one submission).

Submission:

GeneDx
Classification: Uncertain significance. Last evaluated: 2024-07-21. Review status: criteria provided, single submitter. Criteria: GeneDx Variant Classification Process June 2021. Collection method: clinical testing. Allele origin: germline. Affected: yes.
Comment: Not observed at significant frequency in large population cohorts (gnomAD); In silico analysis supports that this missense variant has a deleterious effect on protein structure/function; Has not been previously published as pathogenic or benign to our knowledge